The following is an entry in ClinVar:

ClinVar aggregate classification (germline): Benign. Review status: criteria provided, multiple submitters, no conflicts (2 of 4 stars). 3 submissions from 3 submitters: Benign (2). 1 of the submissions does not count toward it. Last evaluated 2026-01-18.

Conditions:
RNF213-related disorder. Also called: RNF213-related condition.

Allele frequency attached by ClinVar (database versions not stated): ExAC 0.00209; TOPMed 0.00712; ESP Exome Variant Server 0.00746; 1000 Genomes Project 0.00719; 1000 Genomes Project 30x 0.00765; gnomAD exomes 0.00059 and 0.00178; gnomAD 0.00626 and 0.00661.
gnomAD v4.1: 1,841 of 1,614,156 alleles (0.11%); highest among the groups gnomAD compares: African/African-American, 2.2%; 23 homozygotes.

Submissions (3):

Labcorp Genetics (formerly Invitae), Labcorp
Classification: Benign. Last evaluated: 2026-01-18. Review status: criteria provided, single submitter. Criteria: Invitae Variant Classification Sherloc (09022015). Collection method: clinical testing. Allele origin: germline.

Mayo Clinic Laboratories, Mayo Clinic
Classification: Benign. Last evaluated: 2024-12-30. Review status: criteria provided, single submitter. Criteria: ACMG Guidelines, 2015. Collection method: clinical testing. Allele origin: germline. Observed: 2 variant alleles.
Comment: BS1, BS2, BP4_moderate

PreventionGenetics, part of Exact Sciences
Classification: Benign for RNF213-related condition. Last evaluated: 2019-04-11. Review status: no assertion criteria provided. Collection method: clinical testing. Allele origin: germline. Not counted in ClinVar's aggregate classification.
Comment: This variant is classified as benign based on ACMG/AMP sequence variant interpretation guidelines (Richards et al. 2015 PMID: 25741868, with internal and published modifications).

NM_001256071.3(RNF213):c.14442C>G (p.Ser4814Arg)

Genes: RNF213 (ring finger protein 213; plus strand), RNF213-AS1 (RNF213 antisense RNA 1; minus strand). Cytogenetic location: 17q25.3.
Variant type: single nucleotide variant.
Coding change: c.14442C>G on transcript NM_001256071.3 (MANE Select); coding-DNA position 14442, C replaced by G.
Protein change: p.Ser4814Arg; replaces serine 4814 with arginine.
Molecular consequence: missense variant.
Genome position (GRCh38, 1-based): chr17:80,385,158, C>G. VCF-style: chr17-80385158-C-G. GRCh37 (hg19) VCF-style: chr17-78358958-C-G.
Other names: p.Ser4814Arg; short protein forms S4814R.
Identifiers: ClinVar variation 768921 (VCV000768921.12), dbSNP rs61746605, ClinGen allele CA8822948.